The following is an entry in ClinVar:

NM_001099667.3(ARMS2):c.*161C>T

Genes: HTRA1-AS1 (HTRA1 and ARMS2 antisense RNA 1; minus strand), ARMS2 (age-related maculopathy susceptibility 2; plus strand). Cytogenetic location: 10q26.13.
Variant type: single nucleotide variant.
Coding change: c.*161C>T on transcript NM_001099667.3 (MANE Select); 161 bases downstream of the stop codon, C replaced by T.
Molecular consequence: 3 prime UTR variant.
Genome position (GRCh38, 1-based): chr10:122,457,094, C>T. VCF-style: chr10-122457094-C-T. GRCh37 (hg19) VCF-style: chr10-124216610-C-T.
Identifiers: ClinVar variation 299035 (VCV000299035.5), dbSNP rs536799180, ClinGen allele CA10634817.

ClinVar aggregate classification (germline): Likely benign (1 of 4 stars; one submission).

Conditions:
Age related macular degeneration 8. Identifiers: MedGen C3151070, MONDO:0013416, OMIM 613778.

Allele frequency attached by ClinVar (database versions not stated): TOPMed 0.00057; 1000 Genomes Project 0.00060; gnomAD exomes 0.00064; gnomAD 0.00075 and 0.00078; 1000 Genomes Project 30x 0.00078.
gnomAD v4.1: 604 of 899,424 alleles (0.067%); highest among the groups gnomAD compares: Admixed American, 0.11%; 3 homozygotes.

Submission:

Illumina Laboratory Services, Illumina
Classification: Likely benign for Age related macular degeneration 8. Last evaluated: 2018-01-13. Review status: criteria provided, single submitter. Criteria: ICSL Variant Classification Criteria 13 December 2019. Collection method: clinical testing. Allele origin: germline.
Comment: This variant was observed in the ICSL laboratory as part of a predisposition screen in an ostensibly healthy population. It had not been previously curated by ICSL or reported in the Human Gene Mutation Database (HGMD: prior to June 1st, 2018), and was therefore a candidate for classification through an automated scoring system. Utilizing variant allele frequency, disease prevalence and penetrance estimates, and inheritance mode, an automated score was calculated to assess if this variant is too frequent to cause the disease. Based on the score and internal cut-off values, a variant classified as likely benign is not then subjected to further curation. The score for this variant resulted in a classification of likely benign for this disease.